The following is an entry in ClinVar:

NM_014946.4(SPAST):c.19C>T (p.Arg7Ter)

Gene: SPAST (spastin; plus strand). Cytogenetic location: 2p22.3.
Variant type: single nucleotide variant.
Coding change: c.19C>T on transcript NM_014946.4 (MANE Select); coding-DNA position 19, C replaced by T.
Protein change: p.Arg7Ter; replaces arginine 7 with a stop codon.
Molecular consequence: nonsense.
Genome position (GRCh38, 1-based): chr2:32,063,850, C>T. VCF-style: chr2-32063850-C-T. GRCh37 (hg19) VCF-style: chr2-32288919-C-T.
Other names: c.19C>T, p.Arg7Ter (NM_001363823.2, NM_001363875.2, NM_001377959.1 and 1 more transcripts); short protein forms R7*.
Identifiers: ClinVar variation 3613286 (VCV003613286.2).

ClinVar aggregate classification (germline): Pathogenic (1 of 4 stars; one submission).

Conditions:
Hereditary spastic paraplegia 4. Also called: Familial spastic paraplegia autosomal dominant 2; Spastic paraplegia 4, autosomal dominant; Spastic Paraplegia 4. Identifiers: Orphanet 100985, MedGen C1866855, MONDO:0008438, OMIM 182601.

Submission:

Labcorp Genetics (formerly Invitae), Labcorp
Classification: Pathogenic for Hereditary spastic paraplegia 4. Last evaluated: 2024-02-04. Review status: criteria provided, single submitter. Criteria: Invitae Variant Classification Sherloc (09022015). Collection method: clinical testing. Allele origin: germline.
Comment: This sequence change creates a premature translational stop signal (p.Arg7*) in the SPAST gene. It is expected to result in an absent or disrupted protein product. Loss-of-function variants in SPAST are known to be pathogenic (PMID: 20932283). This variant is not present in population databases (gnomAD no frequency). This premature translational stop signal has been observed in individual(s) with hereditary spastic paraplegia (PMID: 30476002). For these reasons, this variant has been classified as Pathogenic.

Literature cited by the submitters: PubMed 20932283; PubMed 30476002.